The following is an entry in ClinVar:

ClinVar aggregate classification (germline): Uncertain significance (1 of 4 stars; one submission).

Conditions:
Developmental and epileptic encephalopathy 94 (DEE94). Also called: Epileptic encephalopathy, childhood-onset; CHD2-Related Neurodevelopmental Disorders. Identifiers: Orphanet 1942, Orphanet 2382, MedGen C3809278, MONDO:0014150, OMIM 615369.

Submission:

Labcorp Genetics (formerly Invitae), Labcorp
Classification: Uncertain significance for Developmental and epileptic encephalopathy 94. Last evaluated: 2025-08-29. Review status: criteria provided, single submitter. Criteria: Invitae Variant Classification Sherloc (09022015). Collection method: clinical testing. Allele origin: germline.
Comment: This sequence change replaces glutamic acid, which is acidic and polar, with aspartic acid, which is acidic and polar, at codon 1563 of the CHD2 protein (p.Glu1563Asp). This variant is not present in population databases (gnomAD no frequency). This variant has not been reported in the literature in individuals affected with CHD2-related conditions. Invitae Evidence Modeling of protein sequence and biophysical properties (such as structural, functional, and spatial information, amino acid conservation, physicochemical variation, residue mobility, and thermodynamic stability) indicates that this missense variant is not expected to disrupt CHD2 protein function with a negative predictive value of 95%. In summary, the available evidence is currently insufficient to determine the role of this variant in disease. Therefore, it has been classified as a Variant of Uncertain Significance.

NM_001271.4(CHD2):c.4689A>C (p.Glu1563Asp)

Gene: CHD2 (chromodomain helicase DNA binding protein 2; plus strand). Cytogenetic location: 15q26.1.
Variant type: single nucleotide variant.
Coding change: c.4689A>C on transcript NM_001271.4 (MANE Select); coding-DNA position 4689, A replaced by C.
Protein change: p.Glu1563Asp; replaces glutamic acid 1563 with aspartic acid.
Molecular consequence: missense variant.
Genome position (GRCh38, 1-based): chr15:93,012,441, A>C. VCF-style: chr15-93012441-A-C. GRCh37 (hg19) VCF-style: chr15-93555671-A-C.
Other names: short protein forms E1563D.
Identifiers: ClinVar variation 4764786 (VCV004764786.1).